The following is an entry in ClinVar:

NM_013254.4(TBK1):c.1644-2A>T

Gene: TBK1 (TANK binding kinase 1; plus strand). Cytogenetic location: 12q14.2.
Variant type: single nucleotide variant.
Coding change: c.1644-2A>T on transcript NM_013254.4 (MANE Select); the canonical splice acceptor site of the intron before coding-DNA position 1644, A replaced by T.
Molecular consequence: splice acceptor variant.
Genome position (GRCh38, 1-based): chr12:64,495,697, A>T. VCF-style: chr12-64495697-A-T. GRCh37 (hg19) VCF-style: chr12-64889477-A-T.
Identifiers: ClinVar variation 2021730 (VCV002021730.4), dbSNP rs2539534855, ClinGen allele CA385604526.

ClinVar aggregate classification (germline): Likely pathogenic (1 of 4 stars; one submission).

Conditions:
Frontotemporal dementia and/or amyotrophic lateral sclerosis 4. Also called: FTDALS4. Identifiers: Orphanet 275872, MedGen C4225325, MONDO:0014641, OMIM 616439.

Submission:

Labcorp Genetics (formerly Invitae), Labcorp
Classification: Likely pathogenic for Frontotemporal dementia and/or amyotrophic lateral sclerosis 4. Last evaluated: 2022-08-06. Review status: criteria provided, single submitter. Criteria: Invitae Variant Classification Sherloc (09022015). Collection method: clinical testing. Allele origin: germline.
Comment: In summary, the currently available evidence indicates that the variant is pathogenic, but additional data are needed to prove that conclusively. Therefore, this variant has been classified as Likely Pathogenic. Algorithms developed to predict the effect of sequence changes on RNA splicing suggest that this variant may disrupt the consensus splice site. This variant has not been reported in the literature in individuals affected with TBK1-related conditions. This variant is not present in population databases (gnomAD no frequency). This sequence change affects an acceptor splice site in intron 14 of the TBK1 gene. It is expected to disrupt RNA splicing. Variants that disrupt the donor or acceptor splice site typically lead to a loss of protein function (PMID: 16199547), and loss-of-function variants in TBK1 are known to be pathogenic (PMID: 25803835, 26476236, 26581300).

Literature cited by the submitters: PubMed 16199547; PubMed 25803835; PubMed 26476236; PubMed 26581300.